The following is an entry in ClinVar:

NM_002049.4(GATA1):c.1135C>G (p.Leu379Val)

Gene: GATA1 (GATA binding protein 1; plus strand). Cytogenetic location: Xp11.23.
Variant type: single nucleotide variant.
Coding change: c.1135C>G on transcript NM_002049.4 (MANE Select); coding-DNA position 1135, C replaced by G.
Protein change: p.Leu379Val; replaces leucine 379 with valine.
Molecular consequence: missense variant.
Genome position (GRCh38, 1-based): chrX:48,794,057, C>G. VCF-style: chrX-48794057-C-G. GRCh37 (hg19) VCF-style: chrX-48652464-C-G.
Other names: short protein forms L379V.
Identifiers: ClinVar variation 2945767 (VCV002945767.3), dbSNP rs1194457951, ClinGen allele CA412872010.

ClinVar aggregate classification (germline): Uncertain significance (1 of 4 stars; one submission).

Conditions:
Diamond-Blackfan anemia. Also called: Blackfan Diamond syndrome; Aregenerative anemia chronic congenital; Red cell aplasia, pure hereditary; Congenital hypoplastic anemia; Aase syndrome. Identifiers: Orphanet 124, MedGen C1260899, MeSH D029503, MONDO:0015253, HP:0004810.
GATA binding protein 1 related thrombocytopenia with dyserythropoiesis. Also called: GATA1-Related Cytopenia; GATA1-Related X-Linked Cytopenia. Identifiers: MedGen C1845837, MONDO:0100089.

Allele frequency attached by ClinVar (database versions not stated): TOPMed 0.00002; gnomAD exomes 0.00003.
gnomAD v4.1: 29 of 1,211,029 alleles (0.0024%); highest among the groups gnomAD compares: Non-Finnish European, 0.0032%; no homozygotes.

Submission:

Labcorp Genetics (formerly Invitae), Labcorp
Classification: Uncertain significance for GATA binding protein 1 related thrombocytopenia with dyserythropoiesis; Diamond-Blackfan anemia. Last evaluated: 2025-04-07. Review status: criteria provided, single submitter. Criteria: Invitae Variant Classification Sherloc (09022015). Collection method: clinical testing. Allele origin: germline.
Comment: This sequence change replaces leucine, which is neutral and non-polar, with valine, which is neutral and non-polar, at codon 379 of the GATA1 protein (p.Leu379Val). This variant is not present in population databases (gnomAD no frequency). This variant has not been reported in the literature in individuals affected with GATA1-related conditions. ClinVar contains an entry for this variant (Variation ID: 2945767). Invitae Evidence Modeling of protein sequence and biophysical properties (such as structural, functional, and spatial information, amino acid conservation, physicochemical variation, residue mobility, and thermodynamic stability) has been performed for this missense variant. However, the output from this modeling did not meet the statistical confidence thresholds required to predict the impact of this variant on GATA1 protein function. In summary, the available evidence is currently insufficient to determine the role of this variant in disease. Therefore, it has been classified as a Variant of Uncertain Significance.